The following is an entry in ClinVar:

ClinVar aggregate classification (germline): Uncertain significance. Review status: criteria provided, multiple submitters, no conflicts (2 of 4 stars). 3 submissions from 3 submitters: Uncertain significance (3). Last evaluated 2024-11-24.

Conditions:
Charcot-Marie-Tooth disease. Also called: Charcot-Marie-Tooth Hereditary Neuropathy; Charcot-Marie-Tooth Neuropathy. Identifiers: Orphanet 166, MedGen C0007959, MONDO:0015626.
Charcot-Marie-Tooth disease axonal type 2P. Also called: Charcot-Marie-Tooth Neuropathy Type 2G; CHARCOT-MARIE-TOOTH DISEASE, AXONAL, TYPE 2G; CMT 2G; CHARCOT-MARIE-TOOTH NEUROPATHY, TYPE 2P. Identifiers: Orphanet 300319, Orphanet 99941, MedGen C3280797, MONDO:0013753, OMIM 614436.

Allele frequency attached by ClinVar (database versions not stated): gnomAD exomes below 0.00001.
gnomAD v4.1: 5 of 1,611,596 alleles (0.00031%); highest among the groups gnomAD compares: Non-Finnish European, 0.00042%; no homozygotes.

Submissions (3):

Labcorp Genetics (formerly Invitae), Labcorp
Classification: Uncertain significance for Charcot-Marie-Tooth disease axonal type 2P. Last evaluated: 2024-11-24. Review status: criteria provided, single submitter. Criteria: Invitae Variant Classification Sherloc (09022015). Collection method: clinical testing. Allele origin: germline.
Comment: This sequence change replaces cysteine, which is neutral and slightly polar, with tyrosine, which is neutral and polar, at codon 696 of the LRSAM1 protein (p.Cys696Tyr). This variant is not present in population databases (gnomAD no frequency). This missense change has been observed in individuals with clinical features of autosomal dominant Charcot-Marie-Tooth disease (PMID: 32376792; internal data). ClinVar contains an entry for this variant (Variation ID: 639095). Invitae Evidence Modeling of protein sequence and biophysical properties (such as structural, functional, and spatial information, amino acid conservation, physicochemical variation, residue mobility, and thermodynamic stability) indicates that this missense variant is expected to disrupt LRSAM1 protein function with a positive predictive value of 80%. In summary, the available evidence is currently insufficient to determine the role of this variant in disease. Therefore, it has been classified as a Variant of Uncertain Significance.

Mayo Clinic Laboratories, Mayo Clinic
Classification: Uncertain significance. Last evaluated: 2024-01-02. Review status: criteria provided, single submitter. Criteria: ACMG Guidelines, 2015. Collection method: clinical testing. Allele origin: germline. Observed: 1 variant allele.
Comment: PP3, PM1, PM2_moderate

Molecular Genetics Laboratory, London Health Sciences Centre
Classification: Uncertain significance for Charcot-Marie-Tooth disease. Review status: criteria provided, single submitter. Criteria: ACMG Guidelines, 2015. Collection method: clinical testing. Allele origin: germline. Affected: yes.

Literature cited by the submitters: PubMed 32376792 (cited by Labcorp Genetics (formerly Invitae), Labcorp and Mayo Clinic Laboratories, Mayo Clinic); PubMed 31827005 (cited by Mayo Clinic Laboratories, Mayo Clinic); PubMed 33568173 (cited by Mayo Clinic Laboratories, Mayo Clinic).

NM_001005373.4(LRSAM1):c.2087G>A (p.Cys696Tyr)

Gene: LRSAM1 (leucine rich repeat and sterile alpha motif containing 1; plus strand). Cytogenetic location: 9q34.11.
Variant type: single nucleotide variant.
Coding change: c.2087G>A on transcript NM_001005373.4 (MANE Select); coding-DNA position 2087, G replaced by A.
Protein change: p.Cys696Tyr; replaces cysteine 696 with tyrosine.
Molecular consequence: missense variant. On other transcripts: non-coding transcript variant (2).
Genome position (GRCh38, 1-based): chr9:127,502,814, G>A. VCF-style: chr9-127502814-G-A. GRCh37 (hg19) VCF-style: chr9-130265093-G-A.
Other names: p.Cys696Tyr; c.2087G>A, p.Cys696Tyr (NM_001005374.4, NM_001384142.1, NM_138361.5); c.2006G>A, p.Cys669Tyr (NM_001190723.3); c.1988G>A, p.Cys663Tyr (NM_001384143.1); c.1298G>A, p.Cys433Tyr (NM_001384144.1); short protein forms C696Y, C669Y, C433Y, C663Y.
Identifiers: ClinVar variation 639095 (VCV000639095.8), dbSNP rs1588144651, ClinGen allele CA374938743.